The following is an entry in ClinVar:

NM_006306.4(SMC1A):c.2095C>T (p.Arg699Cys)

Gene: SMC1A (structural maintenance of chromosomes 1A; minus strand). Cytogenetic location: Xp11.22.
Variant type: single nucleotide variant.
Coding change: c.2095C>T on transcript NM_006306.4 (MANE Select); coding-DNA position 2095, C replaced by T.
Protein change: p.Arg699Cys; replaces arginine 699 with cysteine.
Molecular consequence: missense variant.
Genome position (GRCh38, 1-based): chrX:53,405,113, G>A on the plus strand (C>T on the coding strand, the complement: SMC1A is on the minus strand). VCF-style: chrX-53405113-G-A. GRCh37 (hg19) VCF-style: chrX-53432045-G-A.
Other names: c.2095C>T (NM_006306.2); c.2029C>T, p.Arg677Cys (NM_001281463.1); short protein forms R699C, R677C.
Identifiers: ClinVar variation 847582 (VCV000847582.10), dbSNP rs2075686139, ClinGen allele CA413251910.
Genomic context (GRCh38, chrX:53,405,113, plus strand): 5'-GGTCACTCTGGGAGTACTTGAGCCGCATCTGCAGTCCATGGGCCTGAGACTGCACCTGAC[G>A]CAGCTCTGCCTCTTTCCGTTTTGCCTTCATCTGCTCCTGAAGGGAACAAGAAAGAAGGGC-3'
Protein context (NP_006297.2, residues 689-709): MKAKRKEAEL[Arg699Cys]QVQSQAHGLQ

ClinVar aggregate classification (germline): Conflicting classifications of pathogenicity. Review status: criteria provided, conflicting classifications (1 of 4 stars). 2 submissions from 2 submitters: Pathogenic (1); Uncertain significance (1). Last evaluated 2023-08-01.

Conditions:
Congenital muscular hypertrophy-cerebral syndrome (CDLS2). Also called: Cornelia de Lange syndrome 2; SMC1A-Related Cornelia de Lange Syndrome. Identifiers: Orphanet 199, MedGen C1802395, MONDO:0010370, OMIM 300590.

Submissions (2):

GeneDx
Classification: Pathogenic. Last evaluated: 2023-08-01. Review status: criteria provided, single submitter. Criteria: GeneDx Variant Classification Process June 2021. Collection method: clinical testing. Allele origin: germline. Affected: yes.
Comment: Not observed at significant frequency in large population cohorts (gnomAD); In silico analysis supports that this missense variant has a deleterious effect on protein structure/function; This variant is associated with the following publications: (PMID: 28135719, 28191890, 28548707, 33504798, 25533962)

Labcorp Genetics (formerly Invitae), Labcorp
Classification: Uncertain significance for Congenital muscular hypertrophy-cerebral syndrome. Last evaluated: 2020-06-26. Review status: criteria provided, single submitter. Criteria: Invitae Variant Classification Sherloc (09022015). Collection method: clinical testing. Allele origin: germline.
Comment: This sequence change replaces arginine with cysteine at codon 699 of the SMC1A protein (p.Arg699Cys). The arginine residue is highly conserved and there is a large physicochemical difference between arginine and cysteine. This variant is not present in population databases (ExAC no frequency). In summary, the available evidence is currently insufficient to determine the role of this variant in disease. Therefore, it has been classified as a Variant of Uncertain Significance. Algorithms developed to predict the effect of missense changes on protein structure and function are either unavailable or do not agree on the potential impact of this missense change (SIFT: "Deleterious"; PolyPhen-2: "Probably Damaging"; Align-GVGD: "Class C15"). This variant has been observed in individual(s) affected with Cornelia de Lange syndrome (PMID: 28548707, Invitae).

Literature cited by the submitters: PubMed 28548707 (cited by Labcorp Genetics (formerly Invitae), Labcorp).